The following is an entry in ClinVar:

ClinVar aggregate classification (germline): Uncertain significance. Review status: criteria provided, multiple submitters, no conflicts (2 of 4 stars). 3 submissions from 3 submitters: Uncertain significance (3). Last evaluated 2025-07-10.

Conditions:
CD164-related disorder. Also called: CD164-related condition.

Allele frequency attached by ClinVar (database versions not stated): ExAC 0.00004; gnomAD exomes 0.00004; TOPMed 0.00007; gnomAD 0.00016.
gnomAD v4.1: 82 of 1,613,220 alleles (0.0051%); highest among the groups gnomAD compares: Admixed American, 0.057%; 1 homozygote.

Submissions (3):

PreventionGenetics, part of Exact Sciences
Classification: Uncertain significance for CD164-related condition. Last evaluated: 2025-07-10. Review status: criteria provided, single submitter. Criteria: ACMG Guidelines, 2015. Collection method: clinical testing. Allele origin: germline.
Comment: The CD164 c.557T>A variant is predicted to result in the amino acid substitution p.Phe186Tyr. To our knowledge, this variant has not been reported in the literature. This variant is reported in 0.037% of alleles in individuals of Latino descent in gnomAD, which may be too common to be a primary cause of disease. Although we suspect that this variant may be benign, at this time, the clinical significance of this variant is uncertain due to the absence of conclusive functional and genetic evidence.

Labcorp Genetics (formerly Invitae), Labcorp
Classification: Uncertain significance. Last evaluated: 2025-05-22. Review status: criteria provided, single submitter. Criteria: Invitae Variant Classification Sherloc (09022015). Collection method: clinical testing. Allele origin: germline.
Comment: This sequence change replaces phenylalanine, which is neutral and non-polar, with tyrosine, which is neutral and polar, at codon 186 of the CD164 protein (p.Phe186Tyr). This variant is present in population databases (rs746589702, gnomAD 0.04%). This variant has not been reported in the literature in individuals affected with CD164-related conditions. ClinVar contains an entry for this variant (Variation ID: 2226743). An algorithm developed to predict the effect of missense changes on protein structure and function (PolyPhen-2) suggests that this variant is likely to be tolerated. In summary, the available evidence is currently insufficient to determine the role of this variant in disease. Therefore, it has been classified as a Variant of Uncertain Significance.

Ambry Genetics
Classification: Uncertain significance. Last evaluated: 2022-12-28. Review status: criteria provided, single submitter. Criteria: Ambry Variant Classification Scheme 2023. Collection method: clinical testing. Allele origin: germline.

NM_006016.6(CD164):c.557T>A (p.Phe186Tyr)

Gene: CD164 (CD164 molecule; minus strand). Cytogenetic location: 6q21.
Variant type: single nucleotide variant.
Coding change: c.557T>A on transcript NM_006016.6 (MANE Select); coding-DNA position 557, T replaced by A.
Protein change: p.Phe186Tyr; replaces phenylalanine 186 with tyrosine.
Molecular consequence: missense variant. On other transcripts: intron variant (2).
Genome position (GRCh38, 1-based): chr6:109,368,888, A>T on the plus strand (T>A on the coding strand, the complement: CD164 is on the minus strand). VCF-style: chr6-109368888-A-T. GRCh37 (hg19) VCF-style: chr6-109690091-A-T.
Other names: c.518T>A, p.Phe173Tyr (NM_001142401.3); c.500T>A, p.Phe167Tyr (NM_001142402.3); c.455T>A, p.Phe152Tyr (NM_001346500.2); c.428-563T>A (NM_001142404.3); c.523+34T>A (NM_001142403.3); c.557T>A (NM_006016.5); short protein forms F167Y, F186Y, F152Y, F173Y.
Identifiers: ClinVar variation 2226743 (VCV002226743.4), dbSNP rs746589702, ClinGen allele CA3951496.
Genomic context (GRCh38, chr6:109,368,888, plus strand): 5'-CCTTATTAATTCAATGGGTCTGTTTACAGAGTGTGGTAATTTCGTTCTTTAGATTTGCAG[A>T]ATTTATAAAGAAAGAAAATTACAGCCTGCACACCCAAGACCAGGACAATTCCTCCAATGA-3'
Protein context (NP_006007.2, residues 176-196): VQAVIFFLYK[Phe186Tyr]CKSKERNYHT